The following is an entry in ClinVar:

NM_022436.3(ABCG5):c.900C>G (p.Phe300Leu)

Genes: ABCG5 (ATP binding cassette subfamily G member 5; minus strand), DYNC2LI1 (dynein cytoplasmic 2 light intermediate chain 1; plus strand). Cytogenetic location: 2p21.
Variant type: single nucleotide variant.
Coding change: c.900C>G on transcript NM_022436.3 (MANE Select); coding-DNA position 900, C replaced by G.
Protein change: p.Phe300Leu; replaces phenylalanine 300 with leucine.
Molecular consequence: missense variant. On other transcripts: intron variant (2).
Genome position (GRCh38, 1-based): chr2:43,824,893, G>C on the plus strand (C>G on the coding strand, the complement: ABCG5 is on the minus strand). VCF-style: chr2-43824893-G-C. GRCh37 (hg19) VCF-style: chr2-44052032-G-C.
Other names: p.Phe300Leu; c.*16-2493G>C (NM_001348913.2, NM_001348912.2); short protein forms F300L.
Identifiers: ClinVar variation 336046 (VCV000336046.16), dbSNP rs748009304, ClinGen allele CA1636476.

ClinVar aggregate classification (germline): Uncertain significance. Review status: criteria provided, multiple submitters, no conflicts (2 of 4 stars). 6 submissions from 6 submitters: Uncertain significance (6). Last evaluated 2026-04-20.

Conditions:
Cardiovascular phenotype. Identifiers: MedGen CN230736.
Sitosterolemia (STSL). Also called: PHYTOSTEROLEMIA. Identifiers: Orphanet 2882, MedGen C0342907, MONDO:0008863.
ABCG5-related disorder. Also called: ABCG5-related condition.
Sitosterolemia 1. Identifiers: MedGen C2749759, MONDO:0020747, OMIM 210250.
Sitosterolemia 2. Identifiers: MedGen C5231453, MONDO:0020748, OMIM 618666.

Allele frequency attached by ClinVar (database versions not stated): gnomAD exomes below 0.00001 and 0.00002; gnomAD 0.00002; TOPMed 0.00002; ExAC 0.00003.
gnomAD v4.1: 15 of 1,613,828 alleles (0.00093%); highest among the groups gnomAD compares: East Asian, 0.013%; no homozygotes.

Submissions (6):

PreventionGenetics, part of Exact Sciences
Classification: Uncertain significance for ABCG5-related condition. Last evaluated: 2026-04-20. Review status: criteria provided, single submitter. Criteria: ACMG Guidelines, 2015. Collection method: clinical testing. Allele origin: germline.
Comment: The ABCG5 c.900C>G variant is predicted to result in the amino acid substitution p.Phe300Leu. This variant was previously reported in an individual with hypercholesterolemia (Reeskamp et al. 2020. PubMed ID: 32088153). This variant is reported in 0.030% of alleles in individuals of East Asian descent in gnomAD. At this time, the clinical significance of this variant is uncertain due to the absence of conclusive functional and genetic evidence.

Mayo Clinic Laboratories, Mayo Clinic
Classification: Uncertain significance. Last evaluated: 2025-04-07. Review status: criteria provided, single submitter. Criteria: ACMG Guidelines, 2015. Collection method: clinical testing. Allele origin: germline. Observed: 1 variant allele.
Comment: BP4

Ambry Genetics
Classification: Uncertain significance for Cardiovascular phenotype. Last evaluated: 2024-12-18. Review status: criteria provided, single submitter. Criteria: Ambry Variant Classification Scheme 2023. Collection method: clinical testing. Allele origin: germline.
Comment: The p.F300L variant (also known as c.900C>G), located in coding exon 7 of the ABCG5 gene, results from a C to G substitution at nucleotide position 900. The phenylalanine at codon 300 is replaced by leucine, an amino acid with highly similar properties. This amino acid position is conserved. In addition, this alteration is predicted to be tolerated by in silico analysis. Since supporting evidence is limited at this time, the clinical significance of this alteration remains unclear.

Revvity Omics, Revvity
Classification: Uncertain significance for Sitosterolemia 2. Last evaluated: 2024-09-19. Review status: criteria provided, single submitter. Criteria: ACMG Guidelines, 2015. Collection method: clinical testing. Allele origin: germline.

Labcorp Genetics (formerly Invitae), Labcorp
Classification: Uncertain significance for Sitosterolemia. Last evaluated: 2024-04-09. Review status: criteria provided, single submitter. Criteria: Invitae Variant Classification Sherloc (09022015). Collection method: clinical testing. Allele origin: germline.
Comment: This sequence change replaces phenylalanine, which is neutral and non-polar, with leucine, which is neutral and non-polar, at codon 300 of the ABCG5 protein (p.Phe300Leu). This variant is present in population databases (rs748009304, gnomAD 0.03%). This missense change has been observed in individual(s) with familial hypercholesterolemia (PMID: 32088153). ClinVar contains an entry for this variant (Variation ID: 336046). An algorithm developed to predict the effect of missense changes on protein structure and function (PolyPhen-2) suggests that this variant¬†is likely to be tolerated. In summary, the available evidence is currently insufficient to determine the role of this variant in disease. Therefore, it has been classified as a Variant of Uncertain Significance.

Illumina Laboratory Services, Illumina
Classification: Uncertain significance for Sitosterolemia 1. Last evaluated: 2018-01-13. Review status: criteria provided, single submitter. Criteria: ICSL Variant Classification Criteria 13 December 2019. Collection method: clinical testing. Allele origin: germline.

Literature cited by the submitters: PubMed 32088153 (cited by Labcorp Genetics (formerly Invitae), Labcorp).